The following is an entry in ClinVar:

ClinVar aggregate classification (germline): Conflicting classifications of pathogenicity. Review status: criteria provided, conflicting classifications (1 of 4 stars). 17 submissions from 16 submitters: Uncertain significance (15); Benign (1). 1 of the submissions does not count toward it. Last evaluated 2026-08-01.

Conditions:
PMS2-related disorder. Also called: PMS2-related condition.
Hereditary nonpolyposis colorectal neoplasms. Identifiers: MedGen C0009405, MeSH D003123.
Mismatch repair cancer syndrome 4. Identifiers: MedGen C5436817, MONDO:0030843, OMIM 619101.
Lynch syndrome 4 (LYNCH4). Also called: Colorectal cancer, hereditary nonpolyposis, type 4; Hereditary non-polyposis colorectal cancer, type 4. Identifiers: Orphanet 144, MedGen C1838333, MONDO:0013699, OMIM 614337. Disease mechanism: loss of function.
Hereditary cancer-predisposing syndrome. Also called: Tumor predisposition; Neoplastic Syndromes, Hereditary; Hereditary neoplastic syndrome; Hereditary Cancer Syndrome. Identifiers: Orphanet 140162, MedGen C0027672, MeSH D009386, MONDO:0015356.
Lynch syndrome. Identifiers: Orphanet 144, MedGen C4552100, MONDO:0005835. Disease mechanism: loss of function.
Mismatch repair cancer syndrome 1 (MMRCS1). Also called: BRAIN TUMOR-POLYPOSIS SYNDROME 1; BTP1 SYNDROME; CHILDHOOD CANCER SYNDROME; MISMATCH REPAIR DEFICIENCY; MMR DEFICIENCY. Identifiers: Orphanet 252202, MedGen C5399763, MONDO:0010159, OMIM 276300. Disease mechanism: loss of function.

Allele frequency attached by ClinVar (database versions not stated): ExAC 0.00002; gnomAD exomes 0.00002; gnomAD 0.00007 and 0.00008; TOPMed 0.00015; 1000 Genomes Project 0.00040; 1000 Genomes Project 30x 0.00062.
gnomAD v4.1: 25 of 1,613,894 alleles (0.0015%); highest among the groups gnomAD compares: Admixed American, 0.023%; no homozygotes.

Submissions 1 to 9 of 17:

PreventionGenetics, part of Exact Sciences
Classification: Uncertain significance for PMS2-related condition. Last evaluated: 2026-08-01. Review status: criteria provided, single submitter. Criteria: ACMG Guidelines, 2015. Collection method: clinical testing. Allele origin: germline.
Comment: The PMS2 c.877A>G variant is predicted to result in the amino acid substitution p.Asn293Asp. This variant has been observed in an individual with breast cancer, although no further information was provided to determine its pathogenicity (Tung et al. 2015. PubMed ID: 25186627, supplementary table). This variant was also reported as a germline variant in a study of patients with unspecified cancer (Supp. Table 5; Li et al 2020. PubMed ID: 31391288) and in an individual with prostate cancer (Matejcic et al. 2020. PubMed ID: 32832836). This variant is reported in 0.012% of alleles in individuals of African descent in gnomAD. In ClinVar, it is interpreted as a variant of uncertain significance (Variation ID: 142577). At this time, the clinical significance of this variant is uncertain due to the absence of conclusive functional and genetic evidence.

Labcorp Genetics (formerly Invitae), Labcorp
Classification: Benign for Hereditary nonpolyposis colorectal neoplasms. Last evaluated: 2026-01-14. Review status: criteria provided, single submitter. Criteria: Invitae Variant Classification Sherloc (09022015). Collection method: clinical testing. Allele origin: germline.

Women's Health and Genetics/Laboratory Corporation of America, LabCorp
Classification: Uncertain significance. Last evaluated: 2025-09-04. Review status: criteria provided, single submitter. Criteria: LabCorp Variant Classification Summary - May 2015. Collection method: clinical testing. Allele origin: germline.
Comment: Variant summary: PMS2 c.877A>G (p.Asn293Asp) results in a conservative amino acid change located in the DNA mismatch repair protein family, N-terminal domain (IPR002099) of the encoded protein sequence. Algorithms developed to predict the effect of missense changes on protein structure and function are either unavailable or do not agree on the potential impact of this missense change. The variant allele was found at a frequency of 1.6e-05 in 251408 control chromosomes. The available data on variant occurrences in the general population are insufficient to allow any conclusion about variant significance. c.877A>G has been reported in the literature in one individual affected with breast cancer and one individual with cancer who has clinical history and MSI/IHC information (Tung_2015, Li_2020). These report(s) do not provide unequivocal conclusions about association of the variant with Hereditary Nonpolyposis Colorectal Cancer. To our knowledge, no experimental evidence demonstrating an impact on protein function has been reported. The following publications have been ascertained in the context of this evaluation (PMID: 31391288, 25186627). ClinVar contains an entry for this variant (Variation ID: 142577). Based on the evidence outlined above, the variant was classified as uncertain significance.

Quest Diagnostics Nichols Institute San Juan Capistrano
Classification: Uncertain significance. Last evaluated: 2025-04-29. Review status: criteria provided, single submitter. Criteria: Quest Diagnostics criteria. Collection method: clinical testing. Allele origin: unknown.
Comment: The PMS2 c.877A>G (p.Asn293Asp) variant has been reported in the published literature in individuals with breast cancer (PMID: 25186627 (2015)) and a Lynch syndrome-associated cancer (PMID: 31391288 (2020)). The frequency of this variant in the general population (Genome Aggregation Database) is uninformative in the assessment of its pathogenicity. Analysis of this variant using bioinformatics tools for the prediction of the effect of amino acid changes on protein structure and function yielded predictions that this variant is damaging. Based on the available information, we are unable to determine the clinical significance of this variant.

GeneDx
Classification: Uncertain significance. Last evaluated: 2025-04-23. Review status: criteria provided, single submitter. Criteria: GeneDx Variant Classification Process June 2021. Collection method: clinical testing. Allele origin: germline. Affected: yes.
Comment: Observed in an individual with breast cancer (PMID: 25186627); In silico analysis supports that this missense variant has a deleterious effect on protein structure/function; This variant is associated with the following publications: (PMID: 31391288, 25186627, 11574484)

Blueprint Genetics
Classification: Uncertain significance. Last evaluated: 2024-08-26. Review status: criteria provided, single submitter. Criteria: ACMG Guidelines, 2015. Collection method: clinical testing. Allele origin: germline.

All of Us Research Program, National Institutes of Health
Classification: Uncertain significance for Lynch syndrome. Last evaluated: 2024-08-23. Review status: criteria provided, single submitter. Criteria: ACMG Guidelines, 2015. Collection method: clinical testing. Allele origin: germline. Inheritance: Autosomal dominant inheritance. Observed: 9 variant alleles, 9 heterozygotes.
Comment: This missense variant replaces asparagine with aspartic acid at codon 293 of the PMS2 protein. Computational prediction suggests that this variant may have deleterious impact on protein structure and function (internally defined REVEL score threshold >= 0.7, PMID: 27666373). To our knowledge, functional studies have not been reported for this variant. This variant has been reported in individuals affected with unspecified cancer (PMID: 31391288) and breast cancer (PMID: 25186627), as well as in a cohort of individuals affected with prostate cancer (PMID: 32832836). This variant has been identified in 3/246166 chromosomes in the general population by the Genome Aggregation Database (gnomAD). The available evidence is insufficient to determine the role of this variant in disease conclusively. Therefore, this variant is classified as a Variant of Uncertain Significance.

This study involves interpretation of variants in research participants for the purpose of population health screening. Participant phenotype was not available at the time of variant classification. Additional details can be found in publication PMID: 35346344, PMCID: PMC8962531

Color Diagnostics, LLC DBA Color Health
Classification: Uncertain significance for Hereditary cancer-predisposing syndrome. Last evaluated: 2024-07-18. Review status: criteria provided, single submitter. Criteria: ACMG Guidelines, 2015. Collection method: clinical testing. Allele origin: germline.
Comment: This missense variant replaces asparagine with aspartic acid at codon 293 of the PMS2 protein. Computational prediction suggests that this variant may have deleterious impact on protein structure and function (internally defined REVEL score threshold >= 0.7, PMID: 27666373). To our knowledge, functional studies have not been reported for this variant. This variant has been reported in individuals affected with unspecified cancer (PMID: 31391288) and breast cancer (PMID: 25186627), as well as in a cohort of individuals affected with prostate cancer (PMID: 32832836). This variant has been identified in 3/246166 chromosomes in the general population by the Genome Aggregation Database (gnomAD). The available evidence is insufficient to determine the role of this variant in disease conclusively. Therefore, this variant is classified as a Variant of Uncertain Significance.

Fulgent Genetics
Classification: Uncertain significance for Lynch syndrome 4; Mismatch repair cancer syndrome 4. Last evaluated: 2024-02-14. Review status: criteria provided, single submitter. Criteria: ACMG Guidelines, 2015. Collection method: clinical testing. Allele origin: germline.

NM_000535.7(PMS2):c.877A>G (p.Asn293Asp)

Gene: PMS2 (PMS1 homolog 2, mismatch repair system component; minus strand). Cytogenetic location: 7p22.1.
Variant type: single nucleotide variant.
Coding change: c.877A>G on transcript NM_000535.7 (MANE Select); coding-DNA position 877, A replaced by G.
Protein change: p.Asn293Asp; replaces asparagine 293 with aspartic acid.
Molecular consequence: missense variant. On other transcripts: 5 prime UTR variant (2), non-coding transcript variant (1).
Genome position (GRCh38, 1-based): chr7:5,995,560, T>C on the plus strand (A>G on the coding strand, the complement: PMS2 is on the minus strand). VCF-style: chr7-5995560-T-C. GRCh37 (hg19) VCF-style: chr7-6035191-T-C.
Other names: c.472A>G, p.Asn158Asp (NM_001322003.2, NM_001322004.2, NM_001322005.2 and 2 more transcripts); c.877A>G, p.Asn293Asp (NM_001322006.2, NM_001322014.2); c.559A>G, p.Asn187Asp (NM_001322007.2, NM_001322008.2); c.-57A>G (NM_001322011.2, NM_001322012.2); c.304A>G, p.Asn102Asp (NM_001322013.2); c.568A>G, p.Asn190Asp (NM_001322015.2); short protein forms N293D, N102D, N158D, N187D, N190D.
Identifiers: ClinVar variation 142577 (VCV000142577.46), dbSNP rs530993704, ClinGen allele CA013127.